The following is an entry in ClinVar:

NM_001282531.3(ADNP):c.1892T>A (p.Leu631Gln)

Gene: ADNP (activity dependent neuroprotector homeobox; minus strand). Cytogenetic location: 20q13.13.
Variant type: single nucleotide variant.
Coding change: c.1892T>A on transcript NM_001282531.3 (MANE Select); coding-DNA position 1892, T replaced by A.
Protein change: p.Leu631Gln; replaces leucine 631 with glutamine.
Molecular consequence: missense variant.
Genome position (GRCh38, 1-based): chr20:50,892,822, A>T on the plus strand (T>A on the coding strand, the complement: ADNP is on the minus strand). VCF-style: chr20-50892822-A-T. GRCh37 (hg19) VCF-style: chr20-49509359-A-T.
Other names: c.1892T>A, p.Leu631Gln (NM_001282532.2, NM_001347511.2, NM_015339.5 and 1 more transcripts); c.2108T>A, p.Leu703Gln (NM_001439000.1); c.1208T>A, p.Leu403Gln (NM_001439001.1); short protein forms L403Q, L631Q, L703Q.
Identifiers: ClinVar variation 4975513 (VCV004975513.1).

ClinVar aggregate classification (germline): Uncertain significance (1 of 4 stars; one submission).

Submission:

GeneDx
Classification: Uncertain significance. Last evaluated: 2026-01-22. Review status: criteria provided, single submitter. Criteria: GeneDx Variant Classification Process June 2021. Collection method: clinical testing. Allele origin: germline.
Comment: Not observed at significant frequency in large population cohorts (gnomAD); In silico analysis supports that this missense variant has a deleterious effect on protein structure/function; Has not been previously published as pathogenic or benign to our knowledge